The following is an entry in ClinVar:

NM_001384900.1(SEMA3D):c.2163C>A (p.Ser721Arg)

Genes: SEMA3D (semaphorin 3D; minus strand), LOC126860094 (BRD4-independent group 4 enhancer GRCh37_chr7:84628763-84629962; plus strand). Cytogenetic location: 7q21.11.
Variant type: single nucleotide variant.
Coding change: c.2163C>A on transcript NM_001384900.1 (MANE Select); coding-DNA position 2163, C replaced by A.
Protein change: p.Ser721Arg; replaces serine 721 with arginine.
Molecular consequence: missense variant.
Genome position (GRCh38, 1-based): chr7:84,999,611, G>T on the plus strand (C>A on the coding strand, the complement: SEMA3D is on the minus strand). VCF-style: chr7-84999611-G-T. GRCh37 (hg19) VCF-style: chr7-84628927-G-T.
Other names: c.2163C>A, p.Ser721Arg (NM_001384901.1, NM_001384902.1, NM_001384903.1 and 1 more transcripts); short protein forms S721R.
Identifiers: ClinVar variation 3347130 (VCV003347130.1).
Genomic context (GRCh38, chr7:84,999,611, plus strand): 5'-TCTCCGCTTCTCCCTGTGCCACATCTGTTCGCAGTACTGGTCGAGGCTGAAGTTTGGGCT[G>T]CTAAGGATTTGGATGTAGTCTTTGTATCTCAACCGTGACTCAGCCAATAGATCCTTGACC-3'
Protein context (NP_001371829.1, residues 711-731): LRYKDYIQIL[Ser721Arg]SPNFSLDQYC

ClinVar aggregate classification (germline): Uncertain significance (0 of 4 stars; one submission).

Conditions:
SEMA3D-related disorder. Also called: SEMA3D-related condition.

gnomAD v4.1: 1 of 1,614,094 alleles (0.000062%); highest among the groups gnomAD compares: Non-Finnish European, 0.000085%; no homozygotes.

Submission:

PreventionGenetics, part of Exact Sciences
Classification: Uncertain significance for SEMA3D-related condition. Last evaluated: 2024-06-23. Review status: no assertion criteria provided. Collection method: clinical testing. Allele origin: germline.
Comment: The SEMA3D c.2163C>A variant is predicted to result in the amino acid substitution p.Ser721Arg. To our knowledge, this variant has not been reported in the literature or in a large population database, indicating this variant is rare. At this time, the clinical significance of this variant is uncertain due to the absence of conclusive functional and genetic evidence.